The following is an entry in ClinVar:

ClinVar aggregate classification (germline): Uncertain significance (1 of 4 stars; one submission).

Allele frequency attached by ClinVar (database versions not stated): gnomAD exomes 0.00001; ExAC 0.00003.
gnomAD v4.1: 5 of 1,614,054 alleles (0.00031%); highest among the groups gnomAD compares: Admixed American, 0.0083%; no homozygotes.

Submission:

Labcorp Genetics (formerly Invitae), Labcorp
Classification: Uncertain significance. Last evaluated: 2022-08-03. Review status: criteria provided, single submitter. Criteria: Invitae Variant Classification Sherloc (09022015). Collection method: clinical testing. Allele origin: germline.
Comment: This variant has not been reported in the literature in individuals affected with C5-related conditions. This sequence change replaces phenylalanine, which is neutral and non-polar, with serine, which is neutral and polar, at codon 1600 of the C5 protein (p.Phe1600Ser). This variant is present in population databases (rs757951662, gnomAD 0.01%). Algorithms developed to predict the effect of missense changes on protein structure and function are either unavailable or do not agree on the potential impact of this missense change (SIFT: "Deleterious"; PolyPhen-2: "Probably Damaging"; Align-GVGD: "Class C0"). In summary, the available evidence is currently insufficient to determine the role of this variant in disease. Therefore, it has been classified as a Variant of Uncertain Significance.

NM_001735.3(C5):c.4799T>C (p.Phe1600Ser)

Gene: C5 (complement C5; minus strand). Cytogenetic location: 9q33.2.
Variant type: single nucleotide variant.
Coding change: c.4799T>C on transcript NM_001735.3 (MANE Select); coding-DNA position 4799, T replaced by C.
Protein change: p.Phe1600Ser; replaces phenylalanine 1600 with serine.
Molecular consequence: missense variant.
Genome position (GRCh38, 1-based): chr9:120,953,832, A>G on the plus strand (T>C on the coding strand, the complement: C5 is on the minus strand). VCF-style: chr9-120953832-A-G. GRCh37 (hg19) VCF-style: chr9-123716110-A-G.
Other names: c.4817T>C, p.Phe1606Ser (NM_001317163.2); short protein forms F1600S, F1606S.
Identifiers: ClinVar variation 2005895 (VCV002005895.4), dbSNP rs757951662, ClinGen allele CA5217051.